The following is an entry in ClinVar:

ClinVar aggregate classification (germline): Uncertain significance (1 of 4 stars; one submission).

Conditions:
Cardiovascular phenotype. Identifiers: MedGen CN230736.

Submission:

Ambry Genetics
Classification: Uncertain significance for Cardiovascular phenotype. Last evaluated: 2025-08-25. Review status: criteria provided, single submitter. Criteria: Ambry Variant Classification Scheme 2023. Collection method: clinical testing. Allele origin: germline.
Comment: The p.S817F variant (also known as c.2450C>T), located in coding exon 16 of the CBL gene, results from a C to T substitution at nucleotide position 2450. The serine at codon 817 is replaced by phenylalanine, an amino acid with highly dissimilar properties. This amino acid position is conserved. In addition, this alteration is predicted to be tolerated by in silico analysis. Based on the available evidence, the clinical significance of this variant remains unclear.

NM_005188.4(CBL):c.2450C>T (p.Ser817Phe)

Gene: CBL (Cbl proto-oncogene; plus strand). Cytogenetic location: 11q23.3.
Variant type: single nucleotide variant.
Coding change: c.2450C>T on transcript NM_005188.4 (MANE Select); coding-DNA position 2450, C replaced by T.
Protein change: p.Ser817Phe; replaces serine 817 with phenylalanine.
Molecular consequence: missense variant.
Genome position (GRCh38, 1-based): chr11:119,299,510, C>T. VCF-style: chr11-119299510-C-T. GRCh37 (hg19) VCF-style: chr11-119170220-C-T.
Other names: short protein forms S817F.
Identifiers: ClinVar variation 4219912 (VCV004219912.1).